The following is an entry in ClinVar:

NM_002693.3(POLG):c.125_133dup (p.Gln44_Gln45insArgGlnGln)

Genes: POLG (DNA polymerase gamma, catalytic subunit; minus strand), POLGARF (POLG alternative reading frame; minus strand). Cytogenetic location: 15q26.1.
Variant type: Duplication.
Coding change: c.125_133dup on transcript NM_002693.3 (MANE Select); coding-DNA positions 125 to 133, 9 bases duplicated (GGCAGCAGC; older notation c.125_133dupGGCAGCAGC).
Protein change: p.Gln44_Gln45insArgGlnGln.
Genome position (GRCh38, 1-based): chr15:89,333,622-89,333,630, GCTGCTGCC duplicated on the plus strand (GGCAGCAGC on the coding strand, the reverse complement: POLG is on the minus strand); duplicating any 9 consecutive bases within chr15:89,333,622-89,333,632 gives the same sequence; the c. name uses the placement nearest the transcript's 3' end. VCF-style (leftmost placement, unchanged base first): chr15-89333621-T-TGCTGCTGCC. GRCh37 (hg19) VCF-style: chr15-89876852-T-TGCTGCTGCC.
Other names: c.180_188dup, p.Ala71_Thr72insAlaAlaAla (NM_001430120.1); c.125_133dup, p.Gln44_Gln45insArgGlnGln (NM_001126131.2).
Identifiers: ClinVar variation 3699847 (VCV003699847.2).
Genomic context (GRCh38, chr15:89,333,621, plus strand): 5'-TCCGAGGATAGCACTTGCGGCTGCTGAGGCTGCTGTTGCTGCTGCTGCTGCTGCTGCTGC[T>TGCTGCTGCC]GCTGCTGCCGCCGCCGCTGCCCGTCGCTGGGGTCGGACGCGGGGACGGAGCTGGAGACCC-3'

ClinVar aggregate classification (germline): Uncertain significance (1 of 4 stars; one submission).

Conditions:
Progressive sclerosing poliodystrophy (MTDPS4A). Also called: ALPERS PROGRESSIVE INFANTILE POLIODYSTROPHY; NEURONAL DEGENERATION OF CHILDHOOD WITH LIVER DISEASE, PROGRESSIVE; Alpers Syndrome; ALPERS DIFFUSE DEGENERATION OF CEREBRAL GRAY MATTER WITH HEPATIC CIRRHOSIS; Alpers-Huttenlocher Syndrome; Mitochondrial DNA depletion syndrome 4A (Alpers type). Identifiers: Orphanet 726, MedGen C0205710, MONDO:0008758, OMIM 203700.

Submission:

Labcorp Genetics (formerly Invitae), Labcorp
Classification: Uncertain significance for Progressive sclerosing poliodystrophy. Last evaluated: 2025-05-10. Review status: criteria provided, single submitter. Criteria: Invitae Variant Classification Sherloc (09022015). Collection method: clinical testing. Allele origin: germline.
Comment: This variant, c.125_133dup, results in the insertion of 3 amino acid(s) of the POLG protein (p.Arg42_Gln44dup), but otherwise preserves the integrity of the reading frame. The frequency data for this variant in the population databases is considered unreliable, as metrics indicate poor data quality at this position in the gnomAD database. This variant has not been reported in the literature in individuals affected with POLG-related conditions. ClinVar contains an entry for this variant (Variation ID: 3699847). In summary, the available evidence is currently insufficient to determine the role of this variant in disease. Therefore, it has been classified as a Variant of Uncertain Significance.